The following is an entry in ClinVar:

NM_152703.5(SAMD9L):c.135A>C (p.Leu45Phe)

Gene: SAMD9L (sterile alpha motif domain containing 9 like; minus strand). Cytogenetic location: 7q21.2.
Variant type: single nucleotide variant.
Coding change: c.135A>C on transcript NM_152703.5 (MANE Select); coding-DNA position 135, A replaced by C.
Protein change: p.Leu45Phe; replaces leucine 45 with phenylalanine.
Molecular consequence: missense variant.
Genome position (GRCh38, 1-based): chr7:93,135,837, T>G on the plus strand (A>C on the coding strand, the complement: SAMD9L is on the minus strand). VCF-style: chr7-93135837-T-G. GRCh37 (hg19) VCF-style: chr7-92765150-T-G.
Other names: c.135A>C, p.Leu45Phe (NM_001303496.3, NM_001303497.3, NM_001303498.3 and 5 more transcripts); short protein forms L45F.
Identifiers: ClinVar variation 3792381 (VCV003792381.2).

ClinVar aggregate classification (germline): Uncertain significance. Review status: criteria provided, multiple submitters, no conflicts (2 of 4 stars). 2 submissions from 2 submitters: Uncertain significance (2). Last evaluated 2025-10-09.

Conditions:
Inborn genetic diseases. Identifiers: MedGen C0950123, MeSH D030342.

gnomAD v4.1: 24 of 1,613,966 alleles (0.0015%); highest among the groups gnomAD compares: Non-Finnish European, 0.002%; no homozygotes.

Submissions (2):

Labcorp Genetics (formerly Invitae), Labcorp
Classification: Uncertain significance. Last evaluated: 2025-10-09. Review status: criteria provided, single submitter. Criteria: Invitae Variant Classification Sherloc (09022015). Collection method: clinical testing. Allele origin: germline.
Comment: This sequence change replaces leucine, which is neutral and non-polar, with phenylalanine, which is neutral and non-polar, at codon 45 of the SAMD9L protein (p.Leu45Phe). This variant is not present in population databases (gnomAD no frequency). This variant has not been reported in the literature in individuals affected with SAMD9L-related conditions. ClinVar contains an entry for this variant (Variation ID: 3792381). An algorithm developed to predict the effect of missense changes on protein structure and function (PolyPhen-2) suggests that this variant is likely to be disruptive. In summary, the available evidence is currently insufficient to determine the role of this variant in disease. Therefore, it has been classified as a Variant of Uncertain Significance.

Ambry Genetics
Classification: Uncertain significance for Inborn genetic diseases. Last evaluated: 2025-02-02. Review status: criteria provided, single submitter. Criteria: Ambry Variant Classification Scheme 2023. Collection method: clinical testing. Allele origin: germline.
Comment: The p.L45F variant (also known as c.135A>C), located in coding exon 1 of the SAMD9L gene, results from an A to C substitution at nucleotide position 135. The leucine at codon 45 is replaced by phenylalanine, an amino acid with highly similar properties. This amino acid position is conserved. In addition, this alteration is predicted to be tolerated by in silico analysis. Based on the available evidence, the clinical significance of this variant remains unclear.